The following is an entry in ClinVar:

ClinVar aggregate classification (germline): Likely pathogenic (1 of 4 stars; one submission).

Conditions:
Niemann-Pick disease, type C1. Also called: NEUROVISCERAL STORAGE DISEASE WITH VERTICAL SUPRANUCLEAR OPHTHALMOPLEGIA; NIEMANN-PICK DISEASE WITH CHOLESTEROL ESTERIFICATION BLOCK; NIEMANN-PICK DISEASE WITHOUT SPHINGOMYELINASE DEFICIENCY; NIEMANN-PICK DISEASE, CHRONIC NEURONOPATHIC FORM; NIEMANN-PICK DISEASE, VARIANT TYPE C1. Identifiers: Orphanet 646, MedGen C3179455, MONDO:0009757, OMIM 257220.

Submission:

Myriad Genetics, Inc.
Classification: Likely pathogenic for Niemann-Pick disease, type C1. Last evaluated: 2022-02-25. Review status: criteria provided, single submitter. Criteria: Myriad Women's Health Autosomal Recessive and X-Linked Classification Criteria (2021). Collection method: clinical testing. Allele origin: unknown.
Comment: NM_000271.4(NPC1):c.2046_2047delGA(L682Ffs*6) is expected to be pathogenic in the context of Niemann-Pick disease type C1. This variant is predicted to lead to an abnormal or absent protein product due to the creation of a premature termination codon in NPC1, a gene where loss-of-function variants are known to be pathogenic. Please note: this variant was assessed in the context of healthy population screening.

NM_000271.5(NPC1):c.2046_2047del (p.Leu682fs)

Gene: NPC1 (NPC intracellular cholesterol transporter 1; minus strand). Cytogenetic location: 18q11.2.
Variant type: Deletion.
Coding change: c.2046_2047del on transcript NM_000271.5 (MANE Select); coding-DNA positions 2046 to 2047, 2 bases deleted (GA; older notation c.2046_2047delGA).
Protein change: p.Leu682fs; shifts the reading frame from leucine 682.
Molecular consequence: frameshift variant.
Genome position (GRCh38, 1-based): chr18:23,544,427-23,544,428, TC deleted on the plus strand (GA on the coding strand, the reverse complement: NPC1 is on the minus strand). VCF-style (leftmost placement, unchanged base first): chr18-23544426-GTC-G. GRCh37 (hg19) VCF-style: chr18-21124390-GTC-G.
Other names: short protein forms L682fs.
Identifiers: ClinVar variation 1724709 (VCV001724709.2), dbSNP rs2511235295, ClinGen allele CA2580095609.